The following is an entry in ClinVar:

NM_004370.6(COL12A1):c.6100T>C (p.Phe2034Leu)

Gene: COL12A1 (collagen type XII alpha 1 chain; minus strand). Cytogenetic location: 6q13.
Variant type: single nucleotide variant.
Coding change: c.6100T>C on transcript NM_004370.6 (MANE Select); coding-DNA position 6100, T replaced by C.
Protein change: p.Phe2034Leu; replaces phenylalanine 2034 with leucine.
Molecular consequence: missense variant.
Genome position (GRCh38, 1-based): chr6:75,130,201, A>G on the plus strand (T>C on the coding strand, the complement: COL12A1 is on the minus strand). VCF-style: chr6-75130201-A-G. GRCh37 (hg19) VCF-style: chr6-75839917-A-G.
Other names: c.2608T>C, p.Phe870Leu (NM_080645.3); short protein forms F2034L, F870L.
Identifiers: ClinVar variation 576003 (VCV000576003.9), dbSNP rs1488658209, ClinGen allele CA364731236.

ClinVar aggregate classification (germline): Uncertain significance (1 of 4 stars; one submission).

Conditions:
Ullrich congenital muscular dystrophy 2 (UCMD2). Identifiers: Orphanet 75840, MedGen C4225314, MONDO:0014654, OMIM 616470.
Bethlem myopathy 2 (BTHLM2). Identifiers: Orphanet 536516, Orphanet 610, MedGen C4225313, MONDO:0034022, OMIM 616471.

Allele frequency attached by ClinVar (database versions not stated): gnomAD 0.00001; gnomAD exomes below 0.00001 and 0.00001.
gnomAD v4.1: 3 of 1,613,920 alleles (0.00019%); no homozygotes.

Submission:

Labcorp Genetics (formerly Invitae), Labcorp
Classification: Uncertain significance for Bethlem myopathy 2; Ullrich congenital muscular dystrophy 2. Last evaluated: 2025-06-06. Review status: criteria provided, single submitter. Criteria: Invitae Variant Classification Sherloc (09022015). Collection method: clinical testing. Allele origin: germline.
Comment: This sequence change replaces phenylalanine, which is neutral and non-polar, with leucine, which is neutral and non-polar, at codon 2034 of the COL12A1 protein (p.Phe2034Leu). This variant is present in population databases (no rsID available, gnomAD 0.004%). This variant has not been reported in the literature in individuals affected with COL12A1-related conditions. ClinVar contains an entry for this variant (Variation ID: 576003). Invitae Evidence Modeling of protein sequence and biophysical properties (such as structural, functional, and spatial information, amino acid conservation, physicochemical variation, residue mobility, and thermodynamic stability) indicates that this missense variant is not expected to disrupt COL12A1 protein function with a negative predictive value of 80%. In summary, the available evidence is currently insufficient to determine the role of this variant in disease. Therefore, it has been classified as a Variant of Uncertain Significance.